The following is an entry in ClinVar:

NM_024009.3(GJB3):c.*434G>A

Gene: GJB3 (gap junction protein beta 3; plus strand). Cytogenetic location: 1p34.3.
Variant type: single nucleotide variant.
Coding change: c.*434G>A on transcript NM_024009.3 (MANE Select); 434 bases downstream of the stop codon, G replaced by A.
Molecular consequence: 3 prime UTR variant.
Genome position (GRCh38, 1-based): chr1:34,786,009, G>A. VCF-style: chr1-34786009-G-A. GRCh37 (hg19) VCF-style: chr1-35251610-G-A.
Other names: c.*434G>A (NM_001005752.2).
Identifiers: ClinVar variation 297206 (VCV000297206.6), dbSNP rs567318744, ClinGen allele CA10610965.

ClinVar aggregate classification (germline): Benign. Review status: criteria provided, multiple submitters, no conflicts (2 of 4 stars). 2 submissions from 2 submitters: Benign (2). Last evaluated 2018-01-13.

Conditions:
Erythrokeratodermia variabilis et progressiva 1 (EKVP1). Also called: ERYTHROKERATODERMIA FIGURATA, CONGENITAL FAMILIAL, IN PLAQUES; ERYTHROKERATODERMIA VARIABILIS WITH ERYTHEMA GYRATUM REPENS; ERYTHROKERATODERMIA, PROGRESSIVE SYMMETRIC. Identifiers: Orphanet 317, MedGen C4551486, MONDO:0033010, OMIM 133200.

Allele frequency attached by ClinVar (database versions not stated): gnomAD 0.00018 and 0.00064; TOPMed 0.00027; gnomAD exomes 0.00175; 1000 Genomes Project 30x 0.00234; 1000 Genomes Project 0.00260.

Submissions (2):

Illumina Laboratory Services, Illumina
Classification: Benign for Erythrokeratodermia variabilis et progressiva 1. Last evaluated: 2018-01-13. Review status: criteria provided, single submitter. Criteria: ICSL Variant Classification Criteria 13 December 2019. Collection method: clinical testing. Allele origin: germline.
Comment: This variant was observed in the ICSL laboratory as part of a predisposition screen in an ostensibly healthy population. It had not been previously curated by ICSL or reported in the Human Gene Mutation Database (HGMD: prior to June 1st, 2018), and was therefore a candidate for classification through an automated scoring system. Utilizing variant allele frequency, disease prevalence and penetrance estimates, and inheritance mode, an automated score was calculated to assess if this variant is too frequent to cause the disease. Based on the score and internal cut-off values, a variant classified as benign is not then subjected to further curation. The score for this variant resulted in a classification of benign for this disease.

Breakthrough Genomics
Classification: Benign. Review status: criteria provided, single submitter. Criteria: ACMG Guidelines, 2015. Collection method: not provided. Allele origin: germline. Inheritance: Autosomal dominant inheritance. Affected: yes.